The following is an entry in ClinVar:

ClinVar aggregate classification (germline): Conflicting classifications of pathogenicity. Review status: criteria provided, conflicting classifications (1 of 4 stars). 4 submissions from 4 submitters: Uncertain significance (1); Benign (2); Likely benign (1). Last evaluated 2026-01-25.

Allele frequency attached by ClinVar (database versions not stated): gnomAD exomes 0.00201 and 0.00400; ExAC 0.00446; gnomAD 0.00977 and 0.01042; ESP Exome Variant Server 0.01062; 1000 Genomes Project 0.01078; 1000 Genomes Project 30x 0.01093; TOPMed 0.01193.

Submissions (4):

Labcorp Genetics (formerly Invitae), Labcorp
Classification: Benign. Last evaluated: 2026-01-25. Review status: criteria provided, single submitter. Criteria: Invitae Variant Classification Sherloc (09022015). Collection method: clinical testing. Allele origin: germline.

CeGaT Center for Human Genetics Tuebingen
Classification: Benign. Last evaluated: 2022-11-01. Review status: criteria provided, single submitter. Criteria: CeGaT Center For Human Genetics Tuebingen Variant Classification Criteria Version 2. Collection method: clinical testing. Allele origin: germline. Affected: yes. Observed: 1 variant allele.
Comment: LRMDA: BS1, BS2

Eurofins Ntd Llc (ga)
Classification: Uncertain significance. Last evaluated: 2017-02-22. Review status: criteria provided, single submitter. Criteria: EGL Classification Definitions 2015. Collection method: clinical testing. Allele origin: germline. Observed: 6 variant alleles, 5 heterozygotes.

PreventionGenetics, part of Exact Sciences
Classification: Likely benign. Review status: criteria provided, single submitter. Criteria: ACMG Guidelines, 2015. Collection method: clinical testing. Allele origin: germline.

NM_001305581.2(LRMDA):c.132-253012del

Gene: LRMDA (leucine rich melanocyte differentiation associated; plus strand). Cytogenetic location: 10q22.2.
Variant type: Deletion.
Coding change: c.132-253012del on transcript NM_001305581.2 (MANE Select); 253012 bases into the intron before coding-DNA position 132, one base deleted (C; older notation c.132-253012delC).
Molecular consequence: intron variant. On other transcripts: frameshift variant (1).
Genome position (GRCh38, 1-based): chr10:75,782,996, C deleted. VCF-style (leftmost placement, unchanged base first): chr10-75782995-TC-T. GRCh37 (hg19) VCF-style: chr10-77542753-TC-T.
Other names: c.21del, p.Ser8fs (NM_032024.5); short protein forms S8fs.
Identifiers: ClinVar variation 261988 (VCV000261988.40), dbSNP rs146123023, ClinGen allele CA5567505.
Genomic context (GRCh38, chr10:75,782,995, plus strand): 5'-CCATCAAGAATTTGAATGTCAATATCTTTGCCTTGAAATGAATGGAAAAGTATTTGTCAC[TC>T]AGCGGCAATCATTCTTCAAATAAAAGGTTAGCCAGACAGGACCCTTAATCAAAGAGTCGG-3'